The following is an entry in ClinVar:

ClinVar aggregate classification (germline): Uncertain significance (1 of 4 stars; one submission).

Allele frequency attached by ClinVar (database versions not stated): TOPMed 0.00002; 1000 Genomes Project 30x 0.00031.
gnomAD v4.1: 5 of 1,613,296 alleles (0.00031%); highest among the groups gnomAD compares: African/African-American, 0.0053%; no homozygotes.

Submission:

GeneDx
Classification: Uncertain significance. Last evaluated: 2013-03-29. Review status: criteria provided, single submitter. Criteria: GeneDx Variant Classification (06012015). Collection method: clinical testing. Allele origin: germline. Affected: yes.
Comment: Missense variants in the TTN gene are considered 'unclassified' if they are not previously reported in the literature and do not have >1% frequency in the population to be considered a polymorphism. Research indicates that truncating mutations in the TTN gene are expected to account for approximately 25% of familial and 18% of sporadic idiopathic DCM; however, truncating variants in the TTN gene have been reported in approximately 3% of reported control alleles. There has been little investigation into non-truncating variants. (Herman D et al. Truncations of titin causing dilated cardiomyopathy. N Eng J Med 366:619-628, 2012) The variant is found in DCM panel(s).

NM_001267550.2(TTN):c.81289G>C (p.Val27097Leu)

Genes: TTN (titin; minus strand), TTN-AS1 (TTN antisense RNA 1; plus strand). Cytogenetic location: 2q31.2.
Variant type: single nucleotide variant.
Coding change: c.81289G>C on transcript NM_001267550.2 (MANE Select); coding-DNA position 81289, G replaced by C.
Protein change: p.Val27097Leu; replaces valine 27097 with leucine.
Molecular consequence: missense variant.
Genome position (GRCh38, 1-based): chr2:178,564,843, C>G on the plus strand (G>C on the coding strand, the complement: TTN is on the minus strand). VCF-style: chr2-178564843-C-G. GRCh37 (hg19) VCF-style: chr2-179429570-C-G.
Other names: p.V25456L:GTG>CTG; c.76366G>C, p.Val25456Leu (NM_001256850.1); c.54094G>C, p.Val18032Leu (NM_003319.4); c.73585G>C, p.Val24529Leu (NM_133378.4); c.54469G>C, p.Val18157Leu (NM_133432.3); c.54670G>C, p.Val18224Leu (NM_133437.4); short protein forms V25456L, V27097L, V18032L, V18157L, V18224L, V24529L.
Identifiers: ClinVar variation 202904 (VCV000202904.2), dbSNP rs794729511, ClinGen allele CA310644.